The following is an entry in ClinVar:

NM_002335.4(LRP5):c.1357del (p.Leu453fs)

Gene: LRP5 (LDL receptor related protein 5; plus strand). Cytogenetic location: 11q13.2.
Variant type: Deletion.
Coding change: c.1357del on transcript NM_002335.4 (MANE Select); coding-DNA position 1357, one base deleted (C; older notation c.1357delC).
Protein change: p.Leu453fs; shifts the reading frame from leucine 453.
Molecular consequence: frameshift variant. On other transcripts: 5 prime UTR variant (1).
Genome position (GRCh38, 1-based): chr11:68,386,657, C deleted; the last of 2 consecutive C bases (chr11:68,386,656-68,386,657); deleting either gives the same sequence. VCF-style (leftmost placement, unchanged base first): chr11-68386655-TC-T. GRCh37 (hg19) VCF-style: chr11-68154123-TC-T.
Other names: c.-409del (NM_001291902.2); short protein forms L453fs.
Identifiers: ClinVar variation 4996867 (VCV004996867.1).

ClinVar aggregate classification (germline): Likely pathogenic (1 of 4 stars; one submission).

Conditions:
LRP5-related disorder. Also called: LRP5-related condition.

Submission:

PreventionGenetics, part of Exact Sciences
Classification: Likely pathogenic for LRP5-related condition. Last evaluated: 2025-07-15. Review status: criteria provided, single submitter. Criteria: ACMG Guidelines, 2015. Collection method: clinical testing. Allele origin: germline.
Comment: The LRP5 c.1357delC variant is predicted to result in a frameshift and premature protein termination (p.Leu453Trpfs*17). This variant has been reported as likely pathogenic in an individual with familial exudative vitreoretinopathy (Table S3, Hanany et al. 2020. PubMed ID: 31964843). This variant is reported in 0.0033% of alleles in individuals of South Asian descent in gnomAD. Frameshift variants in LRP5 are expected to be pathogenic. This variant is interpreted as likely pathogenic.